The following is an entry in ClinVar:

NM_001378969.1(KCND3):c.1411C>G (p.Leu471Val)

Gene: KCND3 (potassium voltage-gated channel subfamily D member 3; minus strand). Cytogenetic location: 1p13.2.
Variant type: single nucleotide variant.
Coding change: c.1411C>G on transcript NM_001378969.1 (MANE Select); coding-DNA position 1411, C replaced by G.
Protein change: p.Leu471Val; replaces leucine 471 with valine.
Molecular consequence: missense variant.
Genome position (GRCh38, 1-based): chr1:111,780,275, G>C on the plus strand (C>G on the coding strand, the complement: KCND3 is on the minus strand). VCF-style: chr1-111780275-G-C. GRCh37 (hg19) VCF-style: chr1-112322897-G-C.
Other names: c.1411C>G, p.Leu471Val (NM_001378970.1, NM_004980.5, NM_172198.3); short protein forms L471V.
Identifiers: ClinVar variation 4746721 (VCV004746721.1).

ClinVar aggregate classification (germline): Uncertain significance (1 of 4 stars; one submission).

Conditions:
Spinocerebellar ataxia type 19/22 (SCA19). Also called: SPINOCEREBELLAR ATAXIA 19; SPINOCEREBELLAR ATAXIA 22. Identifiers: Orphanet 98772, MedGen C1846367, MONDO:0011819, OMIM 607346.

Submission:

Labcorp Genetics (formerly Invitae), Labcorp
Classification: Uncertain significance for Spinocerebellar ataxia type 19/22. Last evaluated: 2025-06-10. Review status: criteria provided, single submitter. Criteria: Invitae Variant Classification Sherloc (09022015). Collection method: clinical testing. Allele origin: germline.
Comment: This sequence change replaces leucine, which is neutral and non-polar, with valine, which is neutral and non-polar, at codon 471 of the KCND3 protein (p.Leu471Val). This variant is not present in population databases (gnomAD no frequency). This variant has not been reported in the literature in individuals affected with KCND3-related conditions. Invitae Evidence Modeling of protein sequence and biophysical properties (such as structural, functional, and spatial information, amino acid conservation, physicochemical variation, residue mobility, and thermodynamic stability) indicates that this missense variant is not expected to disrupt KCND3 protein function with a negative predictive value of 95%. In summary, the available evidence is currently insufficient to determine the role of this variant in disease. Therefore, it has been classified as a Variant of Uncertain Significance.